The following is an entry in ClinVar:

ClinVar aggregate classification (germline): Uncertain significance (1 of 4 stars; one submission).

Conditions:
Arrhythmogenic cardiomyopathy with wooly hair and keratoderma. Also called: PALMOPLANTAR KERATODERMA WITH LEFT VENTRICULAR CARDIOMYOPATHY AND WOOLLY HAIR; Carvajal syndrome; Dilated cardiomyopathy with woolly hair and keratoderma; Arrhythmogenic cardiomyopathy with woolly hair and keratoderma. Identifiers: Orphanet 65282, MedGen C1854063, MONDO:0011581, OMIM 605676.
Arrhythmogenic right ventricular dysplasia 8 (ARVD8). Also called: Arrhythmogenic Right Ventricular Dysplasia/Cardiomyopathy 8; ARRHYTHMOGENIC RIGHT VENTRICULAR DYSPLASIA, FAMILIAL, 8; ARRHYTHMOGENIC RIGHT VENTRICULAR CARDIOMYOPATHY 8. Identifiers: MedGen C1843896, MONDO:0011831, OMIM 607450.

Submission:

Labcorp Genetics (formerly Invitae), Labcorp
Classification: Uncertain significance for Arrhythmogenic cardiomyopathy with wooly hair and keratoderma; Arrhythmogenic right ventricular dysplasia 8. Last evaluated: 2024-11-17. Review status: criteria provided, single submitter. Criteria: Invitae Variant Classification Sherloc (09022015). Collection method: clinical testing. Allele origin: germline.
Comment: This sequence change replaces serine, which is neutral and polar, with tyrosine, which is neutral and polar, at codon 2632 of the DSP protein (p.Ser2632Tyr). This variant is not present in population databases (gnomAD no frequency). This variant has not been reported in the literature in individuals affected with DSP-related conditions. An algorithm developed to predict the effect of missense changes on protein structure and function (PolyPhen-2) suggests that this variant is likely to be disruptive. In summary, the available evidence is currently insufficient to determine the role of this variant in disease. Therefore, it has been classified as a Variant of Uncertain Significance.

NM_004415.4(DSP):c.7895C>A (p.Ser2632Tyr)

Gene: DSP (desmoplakin; plus strand). Cytogenetic location: 6p24.3.
Variant type: single nucleotide variant.
Coding change: c.7895C>A on transcript NM_004415.4 (MANE Select); coding-DNA position 7895, C replaced by A.
Protein change: p.Ser2632Tyr; replaces serine 2632 with tyrosine.
Molecular consequence: missense variant.
Genome position (GRCh38, 1-based): chr6:7,585,157, C>A. VCF-style: chr6-7585157-C-A. GRCh37 (hg19) VCF-style: chr6-7585390-C-A.
Other names: c.6098C>A, p.Ser2033Tyr (NM_001008844.3); c.6566C>A, p.Ser2189Tyr (NM_001319034.2); short protein forms S2033Y, S2189Y, S2632Y.
Identifiers: ClinVar variation 3759662 (VCV003759662.2).
Genomic context (GRCh38, chr6:7,585,157, plus strand): 5'-CCCTGGAAGAATCGAGCCCCATTGCAGCCATCTTTGACACAGAAAACCTGGAGAAAATCT[C>A]CATTACAGAAGGTATAGAGCGGGGCATCGTTGACAGCATCACGGGTCAGAGGCTTCTGGA-3'
Protein context (NP_004406.2, residues 2622-2642): IFDTENLEKI[Ser2632Tyr]ITEGIERGIV